The following is an entry in ClinVar:

ClinVar aggregate classification (germline): Benign/Likely benign. Review status: criteria provided, multiple submitters, no conflicts (2 of 4 stars). 4 submissions from 4 submitters: Benign (2); Likely benign (2). Last evaluated 2026-09-01.

Conditions:
Intellectual developmental disorder, autosomal dominant 54. Also called: Intellectual disability, autosomal dominant 54; MENTAL RETARDATION, AUTOSOMAL DOMINANT 54. Identifiers: MedGen C4540484, MONDO:0030920, OMIM 617799.

Allele frequency attached by ClinVar (database versions not stated): gnomAD exomes 0.00361 and 0.00609; 1000 Genomes Project 0.00379; ESP Exome Variant Server 0.00447; 1000 Genomes Project 30x 0.00453; gnomAD 0.00455 and 0.00471; TOPMed 0.00501; ExAC 0.00583.
gnomAD v4.1: 7,374 of 1,245,110 alleles (0.59%); highest among the groups gnomAD compares: Admixed American, 0.74%; 28 homozygotes.

Submissions (4):

CeGaT Center for Human Genetics Tuebingen
Classification: Benign. Last evaluated: 2026-09-01. Review status: criteria provided, single submitter. Criteria: CeGaT Center For Human Genetics Tuebingen Variant Classification Criteria Version 2. Collection method: clinical testing. Allele origin: germline. Affected: yes. Observed: 43 variant alleles.
Comment: CAMK2B: BP4, BP7, BS1, BS2

Labcorp Genetics (formerly Invitae), Labcorp
Classification: Benign. Last evaluated: 2026-02-03. Review status: criteria provided, single submitter. Criteria: Invitae Variant Classification Sherloc (09022015). Collection method: clinical testing. Allele origin: germline.

Blueprint Genetics
Classification: Likely benign. Last evaluated: 2024-11-18. Review status: criteria provided, single submitter. Criteria: ACMG Guidelines, 2015. Collection method: clinical testing. Allele origin: germline.

Fulgent Genetics
Classification: Likely benign for Intellectual developmental disorder, autosomal dominant 54. Last evaluated: 2021-08-31. Review status: criteria provided, single submitter. Criteria: ACMG Guidelines, 2015. Collection method: clinical testing. Allele origin: unknown.

NM_001220.5(CAMK2B):c.51C>T (p.Tyr17=)

Gene: CAMK2B (calcium/calmodulin dependent protein kinase II beta; minus strand). Cytogenetic location: 7p13.
Variant type: single nucleotide variant.
Coding change: c.51C>T on transcript NM_001220.5 (MANE Select); coding-DNA position 51, C replaced by T.
Protein change: p.Tyr17=; no amino-acid change (tyrosine 17 retained).
Molecular consequence: synonymous variant.
Genome position (GRCh38, 1-based): chr7:44,325,371, G>A on the plus strand (C>T on the coding strand, the complement: CAMK2B is on the minus strand). VCF-style: chr7-44325371-G-A. GRCh37 (hg19) VCF-style: chr7-44364970-G-A.
Other names: c.51C>T, p.Tyr17= (NM_001293170.2, NM_172078.3, NM_172079.3 and 5 more transcripts).
Identifiers: ClinVar variation 1564290 (VCV001564290.40), dbSNP rs150540739, ClinGen allele CA4240879.